The following is an entry in ClinVar:

ClinVar aggregate classification (germline): Uncertain significance (1 of 4 stars; one submission).

Conditions:
Autosomal recessive severe congenital neutropenia due to CSF3R deficiency. Also called: Neutropenia, severe congenital, 7, autosomal recessive. Identifiers: Orphanet 420702, MedGen C4310764, MONDO:0014865, OMIM 617014.

Submission:

Labcorp Genetics (formerly Invitae), Labcorp
Classification: Uncertain significance for Autosomal recessive severe congenital neutropenia due to CSF3R deficiency. Last evaluated: 2023-11-07. Review status: criteria provided, single submitter. Criteria: Invitae Variant Classification Sherloc (09022015). Collection method: clinical testing. Allele origin: germline.
Comment: This sequence change creates a premature translational stop signal (p.Gln730Alafs*83) in the CSF3R gene. While this is not anticipated to result in nonsense mediated decay, it is expected to disrupt the last 107 amino acid(s) of the CSF3R protein. This variant is not present in population databases (gnomAD no frequency). This variant has not been reported in the literature in individuals affected with CSF3R-related conditions. Experimental studies and prediction algorithms are not available or were not evaluated, and the functional significance of this variant is currently unknown. In summary, the available evidence is currently insufficient to determine the role of this variant in disease. Therefore, it has been classified as a Variant of Uncertain Significance.

NM_000760.4(CSF3R):c.2156_2187dup (p.Gln730fs)

Gene: CSF3R (colony stimulating factor 3 receptor; minus strand). Cytogenetic location: 1p34.3.
Variant type: Duplication.
Coding change: c.2156_2187dup on transcript NM_000760.4 (MANE Select); coding-DNA positions 2156 to 2187, 32 bases duplicated.
Protein change: p.Gln730fs; shifts the reading frame from glutamine 730.
Molecular consequence: frameshift variant.
Genome position (GRCh38, 1-based): chr1:36,466,681-36,466,712, 32 bases duplicated. GRCh37 (hg19): chr1:36,932,282-36,932,313.
Other names: c.2237_2268dup, p.Gln757fs (NM_156039.3); c.2156_2187dup, p.Gln730fs (NM_172313.3); short protein forms Q757fs, Q730fs.
Identifiers: ClinVar variation 2772779 (VCV002772779.3), dbSNP rs2521723430, ClinGen allele CA2697552319.
Genomic context (GRCh38, chr1:36,466,680, plus strand): 5'-CCTGATCGCTGGTGCCAGACTGGGATTGGGGCTGGGTGGAAACTGCTCTTGGGTCCCCCT[G>GGAGCACATAGGTCTGGACCAGAGTGGGGAGGC]GAGCACATAGGTCTGGACCAGAGTGGGGAGGCCACAGGTCTCTGAGCTGTTATGGGACTC-3'